The following is an entry in ClinVar:

NM_001287.6(CLCN7):c.652A>T (p.Ile218Phe)

Gene: CLCN7 (chloride voltage-gated channel 7; minus strand). Cytogenetic location: 16p13.3.
Variant type: single nucleotide variant.
Coding change: c.652A>T on transcript NM_001287.6 (MANE Select); coding-DNA position 652, A replaced by T.
Protein change: p.Ile218Phe; replaces isoleucine 218 with phenylalanine.
Molecular consequence: missense variant.
Genome position (GRCh38, 1-based): chr16:1,459,130, T>A on the plus strand (A>T on the coding strand, the complement: CLCN7 is on the minus strand). VCF-style: chr16-1459130-T-A. GRCh37 (hg19) VCF-style: chr16-1509131-T-A.
Other names: c.580A>T, p.Ile194Phe (NM_001114331.3); short protein forms I218F, I194F.
Identifiers: ClinVar variation 2004697 (VCV002004697.4), dbSNP rs2038886607, ClinGen allele CA394191901.

ClinVar aggregate classification (germline): Uncertain significance (1 of 4 stars; one submission).

Allele frequency attached by ClinVar (database versions not stated): TOPMed below 0.00001.
gnomAD v4.1: 2 of 1,612,714 alleles (0.00012%); highest among the groups gnomAD compares: East Asian, 0.0022%; no homozygotes.

Submission:

Labcorp Genetics (formerly Invitae), Labcorp
Classification: Uncertain significance. Last evaluated: 2022-06-11. Review status: criteria provided, single submitter. Criteria: Invitae Variant Classification Sherloc (09022015). Collection method: clinical testing. Allele origin: germline.
Comment: In summary, the available evidence is currently insufficient to determine the role of this variant in disease. Therefore, it has been classified as a Variant of Uncertain Significance. Advanced modeling of protein sequence and biophysical properties (such as structural, functional, and spatial information, amino acid conservation, physicochemical variation, residue mobility, and thermodynamic stability) performed at Invitae indicates that this missense variant is not expected to disrupt CLCN7 protein function. This variant has not been reported in the literature in individuals affected with CLCN7-related conditions. This variant is not present in population databases (gnomAD no frequency). This sequence change replaces isoleucine, which is neutral and non-polar, with phenylalanine, which is neutral and non-polar, at codon 218 of the CLCN7 protein (p.Ile218Phe).